The following is an entry in ClinVar:

NM_001042492.3(NF1):c.2330G>A (p.Trp777Ter)

Gene: NF1 (neurofibromin 1; plus strand). Cytogenetic location: 17q11.2.
Variant type: single nucleotide variant.
Coding change: c.2330G>A on transcript NM_001042492.3 (MANE Select); coding-DNA position 2330, G replaced by A.
Protein change: p.Trp777Ter; replaces tryptophan 777 with a stop codon.
Molecular consequence: nonsense.
Genome position (GRCh38, 1-based): chr17:31,227,527, G>A. VCF-style: chr17-31227527-G-A. GRCh37 (hg19) VCF-style: chr17-29554545-G-A.
Other names: c.2330G>A, p.Trp777Ter (NM_000267.4); short protein forms W777*.
Identifiers: ClinVar variation 952296 (VCV000952296.8), dbSNP rs199474745, ClinGen allele CA398983010.

ClinVar aggregate classification (germline): Pathogenic. Review status: criteria provided, multiple submitters, no conflicts (2 of 4 stars). 3 submissions from 3 submitters: Pathogenic (3). Last evaluated 2024-11-20.

Conditions:
Cardiovascular phenotype. Identifiers: MedGen CN230736.
Hereditary cancer-predisposing syndrome. Also called: Hereditary neoplastic syndrome; Tumor predisposition; Neoplastic Syndromes, Hereditary; Hereditary Cancer Syndrome. Identifiers: Orphanet 140162, MedGen C0027672, MeSH D009386, MONDO:0015356.
Neurofibromatosis, type 1 (NF1). Also called: VON RECKLINGHAUSEN DISEASE; NEUROFIBROMATOSIS, TYPE I, SOMATIC; Peripheral type neurofibromatosis; Neurofibromatosis, type I. Identifiers: Orphanet 636, MedGen C0027831, MONDO:0018975, OMIM 162200. Disease mechanism: loss of function.

Allele frequency attached by ClinVar (database versions not stated): gnomAD exomes below 0.00001.
gnomAD v4.1: 1 of 1,613,678 alleles (0.000062%); highest among the groups gnomAD compares: Non-Finnish European, 0.000085%; no homozygotes.

Submissions (3):

St. Jude Molecular Pathology, St. Jude Children's Research Hospital
Classification: Pathogenic for Neurofibromatosis, type 1. Last evaluated: 2024-11-20. Review status: criteria provided, single submitter. Criteria: St. Jude Assertion Criteria 2020. Collection method: clinical testing. Allele origin: germline.
Comment: The NF1 c.2330G>A (p.Trp777Ter) change is a nonsense variant that is predicted to cause premature protein truncation or absence of the protein due to nonsense mediated decay. This variant has been observed in individuals with Neurofibromatosis type 1 (PMID: 30531922, LOVD database). This variant is absent in gnomAD v2.1.1. Loss-of-function variants in NF1 are known to be pathogenic (PMID: 9003501, 10712197). In summary, this variant meets criteria to be classified as pathogenic.

Labcorp Genetics (formerly Invitae), Labcorp
Classification: Pathogenic for Neurofibromatosis, type 1. Last evaluated: 2024-09-14. Review status: criteria provided, single submitter. Criteria: Invitae Variant Classification Sherloc (09022015). Collection method: clinical testing. Allele origin: germline.
Comment: This sequence change creates a premature translational stop signal (p.Trp777*) in the NF1 gene. It is expected to result in an absent or disrupted protein product. Loss-of-function variants in NF1 are known to be pathogenic (PMID: 10712197, 23913538). This variant is not present in population databases (gnomAD no frequency). This premature translational stop signal has been observed in individual(s) with clinical features of NF1-related conditions (PMID: 21520333). ClinVar contains an entry for this variant (Variation ID: 952296). For these reasons, this variant has been classified as Pathogenic.

Ambry Genetics
Classification: Pathogenic for Cardiovascular phenotype; Hereditary cancer-predisposing syndrome. Last evaluated: 2023-11-16. Review status: criteria provided, single submitter. Criteria: Ambry Variant Classification Scheme 2023. Collection method: clinical testing. Allele origin: germline.
Comment: The p.W777* pathogenic mutation (also known as c.2330G>A), located in coding exon 20 of the NF1 gene, results from a G to A substitution at nucleotide position 2330. This changes the amino acid from a tryptophan to a stop codon within coding exon 20. This alteration has been observed in multiple individuals with a personal and/or family history that is consistent with NF1-related disease (van Minkelen R et al. Clin Genet, 2014 Apr;85:318-27; D'Angelo F et al. Nat Med, 2019 Jan;25:176-187; Ambry internal data). This variant is considered to be rare based on population cohorts in the Genome Aggregation Database (gnomAD). In addition to the clinical data presented in the literature, this alteration is expected to result in loss of function by premature protein truncation or nonsense-mediated mRNA decay. As such, this alteration is interpreted as a disease-causing mutation.

Literature cited by the submitters: PubMed 10712197 (cited by Labcorp Genetics (formerly Invitae), Labcorp); PubMed 23913538 (cited by Labcorp Genetics (formerly Invitae), Labcorp); PubMed 21520333 (cited by Labcorp Genetics (formerly Invitae), Labcorp).